The following is an entry in ClinVar:

ClinVar aggregate classification (germline): Uncertain significance (1 of 4 stars; one submission).

Conditions:
Developmental and epileptic encephalopathy, 65. Also called: EPILEPTIC ENCEPHALOPATHY, EARLY INFANTILE, 65. Identifiers: MedGen C4693925, MONDO:0033374, OMIM 618008.

Submission:

MVZ Medizinische Genetik Mainz
Classification: Uncertain significance for Developmental and epileptic encephalopathy, 65. Last evaluated: 2024-05-28. Review status: criteria provided, single submitter. Criteria: UK Practice Guidelines For Variant Classification V4 01 2020. Collection method: clinical testing. Allele origin: germline. Inheritance: Autosomal dominant inheritance. Affected: yes. Observed: 1 variant allele.
Comment: ACMG Criteria: PVS1_MOD,PM2_SUP

NM_001037333.3(CYFIP2):c.1982+1G>A

Gene: CYFIP2 (cytoplasmic FMR1 interacting protein 2; plus strand). Cytogenetic location: 5q33.3.
Variant type: single nucleotide variant.
Coding change: c.1982+1G>A on transcript NM_001037333.3 (MANE Select); the canonical splice donor site of the intron after coding-DNA position 1982, G replaced by A.
Molecular consequence: splice donor variant.
Genome position (GRCh38, 1-based): chr5:157,325,639, G>A. VCF-style: chr5-157325639-G-A. GRCh37 (hg19) VCF-style: chr5-156752647-G-A.
Other names: c.2057+1G>A (NM_001291722.2); c.1904+1G>A (NM_001291721.2); c.1982+1G>A (NM_014376.4).
Identifiers: ClinVar variation 3256890 (VCV003256890.1).